The following is an entry in ClinVar:

NM_000260.4(MYO7A):c.5216G>T (p.Arg1739Leu)

Gene: MYO7A (myosin VIIA; plus strand). Cytogenetic location: 11q13.5.
Variant type: single nucleotide variant.
Coding change: c.5216G>T on transcript NM_000260.4 (MANE Select); coding-DNA position 5216, G replaced by T.
Protein change: p.Arg1739Leu; replaces arginine 1739 with leucine.
Molecular consequence: missense variant.
Genome position (GRCh38, 1-based): chr11:77,203,107, G>T. VCF-style: chr11-77203107-G-T. GRCh37 (hg19) VCF-style: chr11-76914152-G-T.
Other names: c.5102G>T, p.Arg1701Leu (NM_001127180.2); c.5069G>T, p.Arg1690Leu (NM_001369365.1); short protein forms R1701L, R1690L, R1739L.
Identifiers: ClinVar variation 2284308 (VCV002284308.3), dbSNP rs962051513, ClinGen allele CA381952127.

ClinVar aggregate classification (germline): Uncertain significance. Review status: criteria provided, multiple submitters, no conflicts (2 of 4 stars). 2 submissions from 2 submitters: Uncertain significance (2). Last evaluated 2024-08-01.

Conditions:
Inborn genetic diseases. Identifiers: MedGen C0950123, MeSH D030342.

Submissions (2):

GeneDx
Classification: Uncertain significance. Last evaluated: 2024-08-01. Review status: criteria provided, single submitter. Criteria: GeneDx Variant Classification Process June 2021. Collection method: clinical testing. Allele origin: germline. Affected: yes.
Comment: Not observed at significant frequency in large population cohorts (gnomAD); In silico analysis supports that this missense variant has a deleterious effect on protein structure/function; In silico analysis suggests this variant may impact gene splicing. In the absence of RNA/functional studies, the actual effect of this sequence change is unknown.; Has not been previously published as pathogenic or benign to our knowledge

Ambry Genetics
Classification: Uncertain significance for Inborn genetic diseases. Last evaluated: 2022-04-13. Review status: criteria provided, single submitter. Criteria: Ambry Variant Classification Scheme 2023. Collection method: clinical testing. Allele origin: germline.